The following is an entry in ClinVar:

ClinVar aggregate classification (germline): Likely benign. Review status: criteria provided, single submitter (1 of 4 stars). 2 submissions from 2 submitters: Likely benign (1). 1 of the submissions does not count toward it. Last evaluated 2025-09-11.

Conditions:
CUBN-related disorder. Also called: CUBN-related condition.
Imerslund-Grasbeck syndrome. Also called: ENTEROCYTE COBALAMIN MALABSORPTION; ENTEROCYTE INTRINSIC FACTOR RECEPTOR, DEFECT OF; Imerslund-Gräsbeck syndrome; Megaloblastic anemia due to inborn errors of metabolism; PERNICIOUS ANEMIA, JUVENILE, DUE TO SELECTIVE INTESTINAL MALABSORPTION OF VITAMIN B12, WITH PROTEINURIA. Identifiers: Orphanet 35858, MedGen C4551825, MONDO:0009853.

Allele frequency attached by ClinVar (database versions not stated): gnomAD exomes 0.00005; 1000 Genomes Project 30x 0.00016; 1000 Genomes Project 0.00020; TOPMed 0.00011; ESP Exome Variant Server 0.00015; ExAC 0.00007; gnomAD 0.00011.
gnomAD v4.1: 93 of 1,614,006 alleles (0.0058%); highest among the groups gnomAD compares: African/African-American, 0.023%; no homozygotes.

Submissions (2):

Labcorp Genetics (formerly Invitae), Labcorp
Classification: Likely benign for Imerslund-Grasbeck syndrome. Last evaluated: 2025-09-11. Review status: criteria provided, single submitter. Criteria: Invitae Variant Classification Sherloc (09022015). Collection method: clinical testing. Allele origin: germline.

PreventionGenetics, part of Exact Sciences
Classification: Likely benign for CUBN-related condition. Last evaluated: 2019-04-12. Review status: no assertion criteria provided. Collection method: clinical testing. Allele origin: germline. Not counted in ClinVar's aggregate classification.
Comment: This variant is classified as likely benign based on ACMG/AMP sequence variant interpretation guidelines (Richards et al. 2015 PMID: 25741868, with internal and published modifications).

NM_001081.4(CUBN):c.8937C>T (p.Asn2979=)

Gene: CUBN (cubilin; minus strand). Cytogenetic location: 10p13.
Variant type: single nucleotide variant.
Coding change: c.8937C>T on transcript NM_001081.4 (MANE Select); coding-DNA position 8937, C replaced by T.
Protein change: p.Asn2979=; no amino-acid change (asparagine 2979 retained).
Molecular consequence: synonymous variant.
Genome position (GRCh38, 1-based): chr10:16,877,066, G>A on the plus strand (C>T on the coding strand, the complement: CUBN is on the minus strand). VCF-style: chr10-16877066-G-A. GRCh37 (hg19) VCF-style: chr10-16919065-G-A.
Identifiers: ClinVar variation 2738408 (VCV002738408.5), dbSNP rs150730481, ClinGen allele CA5422852.